The following is an entry in ClinVar:

ClinVar aggregate classification (germline): Likely benign. Review status: criteria provided, multiple submitters, no conflicts (2 of 4 stars). 4 submissions from 4 submitters: Likely benign (4). Last evaluated 2024-08-29.

Conditions:
Arrhythmogenic cardiomyopathy with wooly hair and keratoderma. Also called: PALMOPLANTAR KERATODERMA WITH LEFT VENTRICULAR CARDIOMYOPATHY AND WOOLLY HAIR; Carvajal syndrome; Dilated cardiomyopathy with woolly hair and keratoderma; Arrhythmogenic cardiomyopathy with woolly hair and keratoderma. Identifiers: Orphanet 65282, MedGen C1854063, MONDO:0011581, OMIM 605676.
Arrhythmogenic right ventricular dysplasia 8 (ARVD8). Also called: Arrhythmogenic Right Ventricular Dysplasia/Cardiomyopathy 8; ARRHYTHMOGENIC RIGHT VENTRICULAR DYSPLASIA, FAMILIAL, 8; ARRHYTHMOGENIC RIGHT VENTRICULAR CARDIOMYOPATHY 8. Identifiers: MedGen C1843896, MONDO:0011831, OMIM 607450.
Cardiomyopathy (CMYO). Also called: Cardiomyopathies. Identifiers: Orphanet 167848, MedGen C0878544, MONDO:0004994, HP:0001638. Inheritance: Various modes of inheritance.
Cardiovascular phenotype. Identifiers: MedGen CN230736.

Allele frequency attached by ClinVar (database versions not stated): gnomAD exomes below 0.00001 and 0.00001; ExAC 0.00001.
gnomAD v4.1: 8 of 1,614,210 alleles (0.0005%); highest among the groups gnomAD compares: Middle Eastern, 0.016%; no homozygotes.

Submissions (4):

Color Diagnostics, LLC DBA Color Health
Classification: Likely benign for Cardiomyopathy. Last evaluated: 2024-08-29. Review status: criteria provided, single submitter. Criteria: ACMG Guidelines, 2015. Collection method: clinical testing. Allele origin: germline.

All of Us Research Program, National Institutes of Health
Classification: Likely benign for Arrhythmogenic cardiomyopathy with wooly hair and keratoderma. Last evaluated: 2024-04-16. Review status: criteria provided, single submitter. Criteria: ACMG Guidelines, 2015. Collection method: clinical testing. Allele origin: germline. Inheritance: Autosomal dominant inheritance. Observed: 3 variant alleles, 3 heterozygotes.
Comment: This study involves interpretation of variants in research participants for the purpose of population health screening. Participant phenotype was not available at the time of variant classification. Additional details can be found in publication PMID: 35346344, PMCID: PMC8962531

Ambry Genetics
Classification: Likely benign for Cardiovascular phenotype. Last evaluated: 2023-10-03. Review status: criteria provided, single submitter. Criteria: Ambry Variant Classification Scheme 2023. Collection method: clinical testing. Allele origin: germline.

Labcorp Genetics (formerly Invitae), Labcorp
Classification: Likely benign for Arrhythmogenic cardiomyopathy with wooly hair and keratoderma; Arrhythmogenic right ventricular dysplasia 8. Last evaluated: 2022-11-08. Review status: criteria provided, single submitter. Criteria: Invitae Variant Classification Sherloc (09022015). Collection method: clinical testing. Allele origin: germline.

NM_004415.4(DSP):c.1824A>G (p.Ile608Met)

Gene: DSP (desmoplakin; plus strand). Cytogenetic location: 6p24.3.
Variant type: single nucleotide variant.
Coding change: c.1824A>G on transcript NM_004415.4 (MANE Select); coding-DNA position 1824, A replaced by G.
Protein change: p.Ile608Met; replaces isoleucine 608 with methionine.
Molecular consequence: missense variant.
Genome position (GRCh38, 1-based): chr6:7,571,505, A>G. VCF-style: chr6-7571505-A-G. GRCh37 (hg19) VCF-style: chr6-7571738-A-G.
Other names: c.1824A>G, p.Ile608Met (NM_001008844.3, NM_001319034.2); short protein forms I608M.
Identifiers: ClinVar variation 918622 (VCV000918622.12), dbSNP rs776461292, ClinGen allele CA030171.
Genomic context (GRCh38, chr6:7,571,505, plus strand): 5'-AGAGTTCATCAGAAATAGCCAAGGCTCAGAGATGTTTGGAGATGATGACAAGCGGAAAAT[A>G]CAGTCTCAGTTCACCGATGCCCAGAAGCATTACCAGACCCTGGTCATTCAGCTCCCTGGC-3'
Protein context (NP_004406.2, residues 598-618): EMFGDDDKRK[Ile608Met]QSQFTDAQKH